The following is an entry in ClinVar:

ClinVar aggregate classification (germline): Uncertain significance (1 of 4 stars; one submission).

Conditions:
Hereditary cancer-predisposing syndrome. Also called: Neoplastic Syndromes, Hereditary; Tumor predisposition; Hereditary neoplastic syndrome; Hereditary Cancer Syndrome. Identifiers: Orphanet 140162, MedGen C0027672, MeSH D009386, MONDO:0015356.

gnomAD v4.1: 1 of 1,609,886 alleles (0.000062%); highest among the groups gnomAD compares: Non-Finnish European, 0.000085%; no homozygotes.

Submission:

Ambry Genetics
Classification: Uncertain significance for Hereditary cancer-predisposing syndrome. Last evaluated: 2024-06-18. Review status: criteria provided, single submitter. Criteria: Ambry Variant Classification Scheme 2023. Collection method: clinical testing. Allele origin: germline.
Comment: The c.1802+4A>G intronic variant results from an A to G substitution 4 nucleotides after coding exon 10 in the ATM gene. This nucleotide position is well conserved in available vertebrate species. In silico splice site analysis predicts that this alteration may weaken the native splice donor site; however, direct evidence is insufficient at this time (Ambry internal data). Based on the available evidence, the clinical significance of this variant remains unclear.

NM_000051.4(ATM):c.1802+4A>G

Gene: ATM (ATM serine/threonine kinase; plus strand). Cytogenetic location: 11q22.3.
Variant type: single nucleotide variant.
Coding change: c.1802+4A>G on transcript NM_000051.4 (MANE Select); 4 bases into the intron after coding-DNA position 1802, A replaced by G.
Molecular consequence: intron variant.
Genome position (GRCh38, 1-based): chr11:108,252,035, A>G. VCF-style: chr11-108252035-A-G. GRCh37 (hg19) VCF-style: chr11-108122762-A-G.
Other names: c.1802+4A>G (NM_001351834.2).
Identifiers: ClinVar variation 3326611 (VCV003326611.1).